The following is an entry in ClinVar:

NM_004839.4(HOMER2):c.1031A>T (p.Ter344Leu)

Gene: HOMER2 (homer scaffold protein 2; minus strand). Cytogenetic location: 15q25.2.
Variant type: single nucleotide variant.
Coding change: c.1031A>T on transcript NM_004839.4 (MANE Select); coding-DNA position 1031, A replaced by T.
Protein change: p.Ter344Leu.
Molecular consequence: stop lost.
Genome position (GRCh38, 1-based): chr15:82,849,716, T>A on the plus strand (A>T on the coding strand, the complement: HOMER2 is on the minus strand). VCF-style: chr15-82849716-T-A. GRCh37 (hg19) VCF-style: chr15-83518468-T-A.
Other names: c.1064A>T, p.Ter355Leu (NM_199330.3).
Identifiers: ClinVar variation 2022503 (VCV002022503.4), dbSNP rs2051325243, ClinGen allele CA393318465.

ClinVar aggregate classification (germline): Uncertain significance (1 of 4 stars; one submission).

Submission:

Labcorp Genetics (formerly Invitae), Labcorp
Classification: Uncertain significance. Last evaluated: 2024-01-08. Review status: criteria provided, single submitter. Criteria: Invitae Variant Classification Sherloc (09022015). Collection method: clinical testing. Allele origin: germline.
Comment: This sequence change disrupts the translational stop signal of the HOMER2 mRNA. It is expected to extend the length of the HOMER2 protein by 10 additional amino acid residues. This variant is not present in population databases (gnomAD no frequency). This variant has not been reported in the literature in individuals affected with HOMER2-related conditions. ClinVar contains an entry for this variant (Variation ID: 2022503). Algorithms developed to predict the effect of sequence changes on RNA splicing suggest that this variant may create or strengthen a splice site. In summary, the available evidence is currently insufficient to determine the role of this variant in disease. Therefore, it has been classified as a Variant of Uncertain Significance.